The following is an entry in ClinVar:

NM_030624.3(KLHL15):c.1636G>A (p.Val546Ile)

Gene: KLHL15 (kelch like family member 15; minus strand). Cytogenetic location: Xp22.11.
Variant type: single nucleotide variant.
Coding change: c.1636G>A on transcript NM_030624.3 (MANE Select); coding-DNA position 1636, G replaced by A.
Protein change: p.Val546Ile; replaces valine 546 with isoleucine.
Molecular consequence: missense variant.
Genome position (GRCh38, 1-based): chrX:23,988,100, C>T on the plus strand (G>A on the coding strand, the complement: KLHL15 is on the minus strand). VCF-style: chrX-23988100-C-T. GRCh37 (hg19) VCF-style: chrX-24006217-C-T.
Other names: short protein forms V546I.
Identifiers: ClinVar variation 4538256 (VCV004538256.1).

ClinVar aggregate classification (germline): Uncertain significance (1 of 4 stars; one submission).

gnomAD v4.1: 1 of 1,211,130 alleles (0.000083%); highest among the groups gnomAD compares: Non-Finnish European, 0.00011%; no homozygotes.

Submission:

Greenwood Genetic Center Diagnostic Laboratories, Greenwood Genetic Center
Classification: Uncertain significance. Last evaluated: 2025-05-27. Review status: criteria provided, single submitter. Criteria: ACMG Guidelines, 2015. Collection method: clinical testing. Allele origin: germline. Affected: yes.
Comment: Gene of Uncertain Significance